The following is an entry in ClinVar:

NM_005359.6(SMAD4):c.460_462del (p.Ser155del)

Gene: SMAD4 (SMAD family member 4; plus strand). Cytogenetic location: 18q21.2.
Variant type: Deletion.
Coding change: c.460_462del on transcript NM_005359.6 (MANE Select); coding-DNA positions 460 to 462, 3 bases deleted (TCA; older notation c.460_462delTCA).
Protein change: p.Ser155del; deletes serine 155.
Molecular consequence: inframe deletion. On other transcripts: non-coding transcript variant (2).
Genome position (GRCh38, 1-based): chr18:51,054,786-51,054,788, TCA deleted; deleting any 3 consecutive bases within chr18:51,054,784-51,054,788 gives the same sequence; the c. name uses the placement nearest the transcript's 3' end. VCF-style (leftmost placement, unchanged base first): chr18-51054783-CCAT-C. GRCh37 (hg19) VCF-style: chr18-48581153-CCAT-C.
Other names: c.460_462del, p.Ser155del (NM_001407041.1, NM_001407042.1, NM_001407043.1); short protein forms S155del.
Identifiers: ClinVar variation 4864695 (VCV004864695.1).

ClinVar aggregate classification (germline): Uncertain significance (1 of 4 stars; one submission).

Conditions:
Familial thoracic aortic aneurysm and aortic dissection (TAAD). Also called: Thoracic aortic aneurysms and dissections. Identifiers: Orphanet 91387, MedGen C4707243, MONDO:0019625.
Hereditary cancer-predisposing syndrome. Also called: Neoplastic Syndromes, Hereditary; Tumor predisposition; Hereditary Cancer Syndrome; Hereditary neoplastic syndrome. Identifiers: Orphanet 140162, MedGen C0027672, MeSH D009386, MONDO:0015356.

Submission:

Ambry Genetics
Classification: Uncertain significance for Hereditary cancer-predisposing syndrome; Familial thoracic aortic aneurysm and aortic dissection. Last evaluated: 2026-04-21. Review status: criteria provided, single submitter. Criteria: Ambry Variant Classification Scheme 2023. Collection method: clinical testing. Allele origin: germline.
Comment: The c.460_462delTCA variant (also known as p.S155del) is located in coding exon 4 of the SMAD4 gene. This variant results from an in-frame TCA deletion at nucleotide positions 460 to 462. This results in the in-frame deletion of a serine at codon 155. This amino acid position is well conserved in available vertebrate species. In addition, this variant is predicted to be neutral by in silico analysis (Choi Y et al. PLoS ONE. 2012; 7(10):e46688). Based on the available evidence, the clinical significance of this variant remains unclear.